The following is an entry in ClinVar:

NM_000254.3(MTR):c.-201C>G

Genes: MTR (5-methyltetrahydrofolate-homocysteine methyltransferase; plus strand), LOC129932885 (ATAC-STARR-seq lymphoblastoid active region 2826; plus strand). Cytogenetic location: 1q43.
Variant type: single nucleotide variant.
Coding change: c.-201C>G on transcript NM_000254.3 (MANE Select); 201 bases upstream of the start codon, C replaced by G.
Molecular consequence: 5 prime UTR variant.
Genome position (GRCh38, 1-based): chr1:236,795,503, C>G. VCF-style: chr1-236795503-C-G. GRCh37 (hg19) VCF-style: chr1-236958803-C-G.
Other names: c.-201C>G (NM_001291939.1); c.-1309C>G (NM_001291940.2).
Identifiers: ClinVar variation 296538 (VCV000296538.9), dbSNP rs111840642, ClinGen allele CA1473540.

ClinVar aggregate classification (germline): Benign/Likely benign. Review status: criteria provided, multiple submitters, no conflicts (2 of 4 stars). 3 submissions from 3 submitters: Benign (1); Likely benign (2). Last evaluated 2018-06-29.

Conditions:
Disorders of Intracellular Cobalamin Metabolism. Identifiers: MedGen CN043592.

Allele frequency attached by ClinVar (database versions not stated): 1000 Genomes Project 0.00699; 1000 Genomes Project 30x 0.00718; ExAC 0.01258; TOPMed 0.01465; gnomAD 0.01470 and 0.01495.
gnomAD v4.1: 26,855 of 1,521,628 alleles (1.8%); highest among the groups gnomAD compares: Middle Eastern, 2.5%; 301 homozygotes.

Submissions (3):

GeneDx
Classification: Likely benign. Last evaluated: 2018-06-29. Review status: criteria provided, single submitter. Criteria: GeneDx Variant Classification Process June 2021. Collection method: clinical testing. Allele origin: germline. Affected: yes.

Illumina Laboratory Services, Illumina
Classification: Benign for Disorders of Intracellular Cobalamin Metabolism. Last evaluated: 2018-01-12. Review status: criteria provided, single submitter. Criteria: ICSL Variant Classification Criteria 13 December 2019. Collection method: clinical testing. Allele origin: germline.
Comment: This variant was observed in the ICSL laboratory as part of a predisposition screen in an ostensibly healthy population. It had not been previously curated by ICSL or reported in the Human Gene Mutation Database (HGMD: prior to June 1st, 2018), and was therefore a candidate for classification through an automated scoring system. Utilizing variant allele frequency, disease prevalence and penetrance estimates, and inheritance mode, an automated score was calculated to assess if this variant is too frequent to cause the disease. Based on the score and internal cut-off values, a variant classified as benign is not then subjected to further curation. The score for this variant resulted in a classification of benign for this disease.

Breakthrough Genomics
Classification: Likely benign. Review status: criteria provided, single submitter. Criteria: ACMG Guidelines, 2015. Collection method: not provided. Allele origin: germline. Inheritance: Autosomal recessive inheritance. Affected: yes.